The following is an entry in ClinVar:

NM_000089.4(COL1A2):c.3387A>T (p.Arg1129Ser)

Gene: COL1A2 (collagen type I alpha 2 chain; plus strand). Cytogenetic location: 7q21.3.
Variant type: single nucleotide variant.
Coding change: c.3387A>T on transcript NM_000089.4 (MANE Select); coding-DNA position 3387, A replaced by T.
Protein change: p.Arg1129Ser; replaces arginine 1129 with serine.
Molecular consequence: missense variant.
Genome position (GRCh38, 1-based): chr7:94,427,746, A>T. VCF-style: chr7-94427746-A-T. GRCh37 (hg19) VCF-style: chr7-94057058-A-T.
Other names: short protein forms R1129S.
Identifiers: ClinVar variation 1730860 (VCV001730860.2), dbSNP rs2484738711, ClinGen allele CA368225860.

ClinVar aggregate classification (germline): Uncertain significance (1 of 4 stars; one submission).

Conditions:
Cardiovascular phenotype. Identifiers: MedGen CN230736.

Submission:

Ambry Genetics
Classification: Uncertain significance for Cardiovascular phenotype. Last evaluated: 2019-07-24. Review status: criteria provided, single submitter. Criteria: Ambry Variant Classification Scheme 2023. Collection method: clinical testing. Allele origin: germline.
Comment: The p.R1129S variant (also known as c.3387A>T), located in coding exon 49 of the COL1A2 gene, results from an A to T substitution at nucleotide position 3387. The arginine at codon 1129 is replaced by serine, an amino acid with dissimilar properties. This amino acid position is highly conserved in available vertebrate species. In addition, this alteration is predicted to be deleterious by in silico analysis. Since supporting evidence is limited at this time, the clinical significance of this alteration remains unclear.